The following is an entry in ClinVar:

ClinVar aggregate classification (germline): Uncertain significance. Review status: criteria provided, multiple submitters, no conflicts (2 of 4 stars). 3 submissions from 3 submitters: Uncertain significance (3). Last evaluated 2026-09-01.

Conditions:
Inborn genetic diseases. Identifiers: MedGen C0950123, MeSH D030342.

gnomAD v4.1: 25 of 1,537,444 alleles (0.0016%); highest among the groups gnomAD compares: African/African-American, 0.0027%; no homozygotes.

Submissions (3):

CeGaT Center for Human Genetics Tuebingen
Classification: Uncertain significance. Last evaluated: 2026-09-01. Review status: criteria provided, single submitter. Criteria: CeGaT Center For Human Genetics Tuebingen Variant Classification Criteria Version 2. Collection method: clinical testing. Allele origin: germline. Affected: yes. Observed: 1 variant allele.

Women's Health and Genetics/Laboratory Corporation of America, LabCorp
Classification: Uncertain significance. Last evaluated: 2026-06-19. Review status: criteria provided, single submitter. Criteria: LabCorp Variant Classification Summary - May 2015. Collection method: clinical testing. Allele origin: germline.
Comment: Variant summary: SETD1B c.4373G>A (p.Arg1458His) results in a non-conservative amino acid change in the encoded protein sequence. Algorithms developed to predict the effect of missense changes on protein structure and function are either unavailable or do not agree on the potential impact of this missense change. The variant allele was found at a frequency of 2.2e-05 in 138204 control chromosomes. The available data on variant occurrences in the general population are insufficient to allow any conclusion about variant significance. To our knowledge, no occurrence of c.4373G>A in individuals affected with SETD1B-related conditions and no experimental evidence demonstrating its impact on protein function have been reported. ClinVar contains an entry for this variant (Variation ID: 3952814). Based on the evidence outlined above, the variant was classified as uncertain significance.

Ambry Genetics
Classification: Uncertain significance for Inborn genetic diseases. Last evaluated: 2025-03-28. Review status: criteria provided, single submitter. Criteria: Ambry Variant Classification Scheme 2023. Collection method: clinical testing. Allele origin: germline.

NM_001353345.2(SETD1B):c.4373G>A (p.Arg1458His)

Gene: SETD1B (SET domain containing 1B, histone lysine methyltransferase; plus strand). Cytogenetic location: 12q24.31.
Variant type: single nucleotide variant.
Coding change: c.4373G>A on transcript NM_001353345.2 (MANE Select); coding-DNA position 4373, G replaced by A.
Protein change: p.Arg1458His; replaces arginine 1458 with histidine.
Molecular consequence: missense variant.
Genome position (GRCh38, 1-based): chr12:121,822,952, G>A. VCF-style: chr12-121822952-G-A. GRCh37 (hg19) VCF-style: chr12-122260858-G-A.
Other names: NM_015048.1:c.4244G>A; short protein forms R1458H.
Identifiers: ClinVar variation 3952814 (VCV003952814.3).